The following is an entry in ClinVar:

ClinVar aggregate classification (germline): Uncertain significance. Review status: criteria provided, multiple submitters, no conflicts (2 of 4 stars). 2 submissions from 2 submitters: Uncertain significance (2). Last evaluated 2024-04-16.

Conditions:
Dilated cardiomyopathy 1J (CMD1J). Also called: CARDIOMYOPATHY, DILATED, WITH SENSORINEURAL HEARING LOSS, AUTOSOMAL DOMINANT. Identifiers: Orphanet 217622, MedGen C1854368, MONDO:0011541, OMIM 605362.

gnomAD v4.1: 6 of 1,614,048 alleles (0.00037%); highest among the groups gnomAD compares: Non-Finnish European, 0.00051%; no homozygotes.

Submissions (2):

GeneDx
Classification: Uncertain significance. Last evaluated: 2024-04-16. Review status: criteria provided, single submitter. Criteria: GeneDx Variant Classification Process June 2021. Collection method: clinical testing. Allele origin: germline.
Comment: Has not been previously published as pathogenic or benign to our knowledge; Not observed at significant frequency in large population cohorts (gnomAD); In silico analysis supports that this missense variant does not alter protein structure/function

Labcorp Genetics (formerly Invitae), Labcorp
Classification: Uncertain significance for Dilated cardiomyopathy 1J. Last evaluated: 2021-11-23. Review status: criteria provided, single submitter. Criteria: Invitae Variant Classification Sherloc (09022015). Collection method: clinical testing. Allele origin: germline.
Comment: This sequence change replaces isoleucine, which is neutral and non-polar, with threonine, which is neutral and polar, at codon 151 of the EYA4 protein (p.Ile151Thr). This variant is not present in population databases (gnomAD no frequency). In summary, the available evidence is currently insufficient to determine the role of this variant in disease. Therefore, it has been classified as a Variant of Uncertain Significance. Algorithms developed to predict the effect of missense changes on protein structure and function are either unavailable or do not agree on the potential impact of this missense change (SIFT: "Tolerated"; PolyPhen-2: "Probably Damaging"; Align-GVGD: "Class C0"). This variant has not been reported in the literature in individuals affected with EYA4-related conditions.

NM_004100.5(EYA4):c.452T>C (p.Ile151Thr)

Gene: EYA4 (EYA transcriptional coactivator and phosphatase 4; plus strand). Cytogenetic location: 6q23.2.
Variant type: single nucleotide variant.
Coding change: c.452T>C on transcript NM_004100.5 (MANE Select); coding-DNA position 452, T replaced by C.
Protein change: p.Ile151Thr; replaces isoleucine 151 with threonine.
Molecular consequence: missense variant.
Genome position (GRCh38, 1-based): chr6:133,462,349, T>C. VCF-style: chr6-133462349-T-C. GRCh37 (hg19) VCF-style: chr6-133783487-T-C.
Other names: c.290T>C, p.Ile97Thr (NM_001301012.2, NM_001370459.1); c.452T>C, p.Ile151Thr (NM_001301013.2, NM_172105.4); c.383T>C, p.Ile128Thr (NM_001370458.1, NM_172103.4); short protein forms I97T, I128T, I151T.
Identifiers: ClinVar variation 1407220 (VCV001407220.8), dbSNP rs2128658440, ClinGen allele CA365697546.